The following is an entry in ClinVar:

NM_000548.5(TSC2):c.4189A>G (p.Ile1397Val)

Gene: TSC2 (TSC complex subunit 2; plus strand). Cytogenetic location: 16p13.3.
Variant type: single nucleotide variant.
Coding change: c.4189A>G on transcript NM_000548.5 (MANE Select); coding-DNA position 4189, A replaced by G.
Protein change: p.Ile1397Val; replaces isoleucine 1397 with valine.
Molecular consequence: missense variant.
Genome position (GRCh38, 1-based): chr16:2,084,411, A>G. VCF-style: chr16-2084411-A-G. GRCh37 (hg19) VCF-style: chr16-2134412-A-G.
Other names: c.3457A>G, p.Ile1153Val (NM_001318831.2); c.4021A>G, p.Ile1341Val (NM_001318832.2); c.3991A>G, p.Ile1331Val (NM_001363528.2); c.4057A>G, p.Ile1353Val (NM_001370404.1); c.4060A>G, p.Ile1354Val (NM_001370405.1, NM_021055.3); c.3988A>G, p.Ile1330Val (NM_001077183.3); c.4120A>G, p.Ile1374Val (NM_001114382.3); c.3880A>G, p.Ile1294Val (NM_001318827.2); and 1 more; short protein forms I1153V, I1331V, I1341V, I1353V, I1374V, I1354V, I1397V, I1282V.
Identifiers: ClinVar variation 652624 (VCV000652624.8), dbSNP rs1596416534, ClinGen allele CA394299833.
Genomic context (GRCh38, chr16:2,084,411, plus strand): 5'-CAGCCCTCGCAGCCCCTGAGCAAGTCCAGCTCCTCTCCCGAGCTGCAGACTCTGCAGGAC[A>G]TCCTCGGGGACCCTGGGGACAAGGCCGACGTGGGCCGGCTGAGCCCTGAGGTTAAGGCCC-3'
Protein context (NP_000539.2, residues 1387-1407): SSPELQTLQD[Ile1397Val]LGDPGDKADV

ClinVar aggregate classification (germline): Uncertain significance (1 of 4 stars; one submission).

Conditions:
Tuberous sclerosis 2 (TSC2). Identifiers: Orphanet 805, MedGen C1860707, MONDO:0013199, OMIM 613254.

Allele frequency attached by ClinVar (database versions not stated): gnomAD exomes below 0.00001.
gnomAD v4.1: 2 of 1,611,780 alleles (0.00012%); highest among the groups gnomAD compares: Non-Finnish European, 0.00017%; no homozygotes.

Submission:

Labcorp Genetics (formerly Invitae), Labcorp
Classification: Uncertain significance for Tuberous sclerosis 2. Last evaluated: 2018-11-04. Review status: criteria provided, single submitter. Criteria: Invitae Variant Classification Sherloc (09022015). Collection method: clinical testing. Allele origin: germline.
Comment: In summary, the available evidence is currently insufficient to determine the role of this variant in disease. Therefore, it has been classified as a Variant of Uncertain Significance. Algorithms developed to predict the effect of missense changes on protein structure and function output the following: SIFT: "Tolerated"; PolyPhen-2: "Benign"; Align-GVGD: "Class C0". The valine amino acid residue is found in multiple mammalian species, suggesting that this missense change does not adversely affect protein function. These predictions have not been confirmed by published functional studies and their clinical significance is uncertain. This variant has not been reported in the literature in individuals with TSC2-related disease. This variant is not present in population databases (ExAC no frequency). This sequence change replaces isoleucine with valine at codon 1397 of the TSC2 protein (p.Ile1397Val). The isoleucine residue is moderately conserved and there is a small physicochemical difference between isoleucine and valine.